The following is an entry in ClinVar:

ClinVar aggregate classification (germline): Uncertain significance (1 of 4 stars; one submission).

Conditions:
Hereditary cancer-predisposing syndrome. Also called: Hereditary Cancer Syndrome; Hereditary neoplastic syndrome; Neoplastic Syndromes, Hereditary; Tumor predisposition. Identifiers: Orphanet 140162, MedGen C0027672, MeSH D009386, MONDO:0015356.

Submission:

Ambry Genetics
Classification: Uncertain significance for Hereditary cancer-predisposing syndrome. Last evaluated: 2015-12-28. Review status: criteria provided, single submitter. Criteria: Ambry Variant Classification Scheme 2023. Collection method: clinical testing. Allele origin: germline.
Comment: The p.K1524N variant (also known as c.4572G>C), located in coding exon 31 of the SMARCA4 gene, results from a G to C substitution at nucleotide position 4572. The lysine at codon 1524 is replaced by asparagine, an amino acid with similar properties. This variant was not reported in population based cohorts in the following databases: Database of Single Nucleotide Polymorphisms (dbSNP), NHLBI Exome Sequencing Project (ESP), and 1000 Genomes Project. In the ESP, this variant was not observed in 6503 samples (13006 alleles) with coverage at this position. To date, this alteration has been detected with an allele frequency of approximately 0.003% (greater than 30000 alleles tested) in our clinical cohort. This amino acid position is highly conserved in available vertebrate species. In addition, this alteration is predicted to be tolerated by in silico analysis. Since supporting evidence is limited at this time, the clinical significance of p.K1524N remains unclear.

NM_003072.5(SMARCA4):c.4476G>C (p.Lys1492Asn)

Gene: SMARCA4 (SWI/SNF related BAF chromatin remodeling complex subunit ATPase 4; plus strand). Cytogenetic location: 19p13.2.
Variant type: single nucleotide variant.
Coding change: c.4476G>C on transcript NM_003072.5 (MANE Select); coding-DNA position 4476, G replaced by C.
Protein change: p.Lys1492Asn; replaces lysine 1492 with asparagine.
Molecular consequence: missense variant. On other transcripts: non-coding transcript variant (1).
Genome position (GRCh38, 1-based): chr19:11,058,306, G>C. VCF-style: chr19-11058306-G-C. GRCh37 (hg19) VCF-style: chr19-11168982-G-C.
Other names: c.4476G>C, p.Lys1492Asn (NM_001128844.3); c.4386G>C, p.Lys1462Asn (NM_001128845.2); c.4383G>C, p.Lys1461Asn (NM_001128846.2); c.4377G>C, p.Lys1459Asn (NM_001128847.4, NM_001374457.1); c.4374G>C, p.Lys1458Asn (NM_001128848.2); c.4572G>C, p.Lys1524Asn (NM_001128849.3, NM_001387283.1); c.4473G>C, p.Lys1491Asn (NM_001411150.1); short protein forms K1458N, K1459N, K1461N, K1462N, K1524N, K1491N, K1492N.
Identifiers: ClinVar variation 1741579 (VCV001741579.2), dbSNP rs2147086535, ClinGen allele CA404077583.